The following is an entry in ClinVar:

NM_017534.6(MYH2):c.2669A>T (p.Lys890Ile)

Genes: MYH2 (myosin heavy chain 2; minus strand), MYHAS (myosin heavy chain gene cluster antisense RNA; plus strand). Cytogenetic location: 17p13.1.
Variant type: single nucleotide variant.
Coding change: c.2669A>T on transcript NM_017534.6 (MANE Select); coding-DNA position 2669, A replaced by T.
Protein change: p.Lys890Ile; replaces lysine 890 with isoleucine.
Molecular consequence: missense variant.
Genome position (GRCh38, 1-based): chr17:10,531,661, T>A on the plus strand (A>T on the coding strand, the complement: MYH2 is on the minus strand). VCF-style: chr17-10531661-T-A. GRCh37 (hg19) VCF-style: chr17-10434978-T-A.
Other names: c.2669A>T, p.Lys890Ile (NM_001100112.2); short protein forms K890I.
Identifiers: ClinVar variation 2972837 (VCV002972837.3), dbSNP rs1278677772, ClinGen allele CA398144820.
Genomic context (GRCh38, chr17:10,531,661, plus strand): 5'-TTAGTGATACCAAGGGTGATATTCCAACTCACAGCCTGAACTTGGAGCTGCAAGTCATTT[T>A]TTTCTTTCAACAGCGTCACCATCTTTTCTTCCAGTTCCTTCCTTTTTGCCTCTGACTTGG-3'
Protein context (NP_060004.3, residues 880-900): EEKMVTLLKE[Lys890Ile]NDLQLQVQAE

ClinVar aggregate classification (germline): Uncertain significance (1 of 4 stars; one submission).

Conditions:
Myopathy, proximal, and ophthalmoplegia (CMYO6). Also called: INCLUSION BODY MYOPATHY 3, AUTOSOMAL DOMINANT; CONGENITAL MYOPATHY 6 WITH OPHTHALMOPLEGIA; MYOPATHY WITH CONGENITAL JOINT CONTRACTURES, OPHTHALMOPLEGIA, AND RIMMED VACUOLES. Identifiers: Orphanet 363677, Orphanet 79091, MedGen C1854106, MONDO:0011577, OMIM 605637.

Allele frequency attached by ClinVar (database versions not stated): TOPMed below 0.00001.

Submission:

Labcorp Genetics (formerly Invitae), Labcorp
Classification: Uncertain significance for Myopathy, proximal, and ophthalmoplegia. Last evaluated: 2023-10-20. Review status: criteria provided, single submitter. Criteria: Invitae Variant Classification Sherloc (09022015). Collection method: clinical testing. Allele origin: germline.
Comment: This sequence change replaces lysine, which is basic and polar, with isoleucine, which is neutral and non-polar, at codon 890 of the MYH2 protein (p.Lys890Ile). This variant is not present in population databases (gnomAD no frequency). This variant has not been reported in the literature in individuals affected with MYH2-related conditions. Advanced modeling of protein sequence and biophysical properties (such as structural, functional, and spatial information, amino acid conservation, physicochemical variation, residue mobility, and thermodynamic stability) performed at Invitae indicates that this missense variant is expected to disrupt MYH2 protein function with a positive predictive value of 80%. In summary, the available evidence is currently insufficient to determine the role of this variant in disease. Therefore, it has been classified as a Variant of Uncertain Significance.